The following is an entry in ClinVar:

NM_001244008.2(KIF1A):c.692A>G (p.Asp231Gly)

Gene: KIF1A (kinesin family member 1A; minus strand). Cytogenetic location: 2q37.3.
Variant type: single nucleotide variant.
Coding change: c.692A>G on transcript NM_001244008.2 (MANE Select); coding-DNA position 692, A replaced by G.
Protein change: p.Asp231Gly; replaces aspartic acid 231 with glycine.
Molecular consequence: missense variant.
Genome position (GRCh38, 1-based): chr2:240,785,017, T>C on the plus strand (A>G on the coding strand, the complement: KIF1A is on the minus strand). VCF-style: chr2-240785017-T-C. GRCh37 (hg19) VCF-style: chr2-241724434-T-C.
Other names: c.692A>G, p.Asp231Gly (NM_001320705.2, NM_001330289.2, NM_001330290.2 and 20 more transcripts); short protein forms D231G.
Identifiers: ClinVar variation 1460823 (VCV001460823.6), dbSNP rs773459672, ClinGen allele CA2208704.

ClinVar aggregate classification (germline): Uncertain significance (1 of 4 stars; one submission).

Conditions:
Hereditary spastic paraplegia 30. Identifiers: Orphanet 101010, MedGen C5235139, MONDO:0012476.
Neuropathy, hereditary sensory, type 2C. Also called: KIF1A-Related HSAN2 (HSAN2C); Hereditary sensory and autonomic neuropathy type IIC. Identifiers: Orphanet 970, MedGen C3280168, MONDO:0013634, OMIM 614213.
Intellectual disability, autosomal dominant 9 (NESCAVS). Also called: KIF1A-Related Neurodevelopmental Disorder; NESCAV SYNDROME. Identifiers: Orphanet 662367, MedGen C5393830, MONDO:0013656, OMIM 614255.

Allele frequency attached by ClinVar (database versions not stated): gnomAD exomes below 0.00001; ExAC 0.00001.
gnomAD v4.1: 1 of 1,613,606 alleles (0.000062%); highest among the groups gnomAD compares: Admixed American, 0.0017%; no homozygotes.

Submission:

Labcorp Genetics (formerly Invitae), Labcorp
Classification: Uncertain significance for Hereditary spastic paraplegia 30; Neuropathy, hereditary sensory, type 2C; Intellectual disability, autosomal dominant 9. Last evaluated: 2025-08-11. Review status: criteria provided, single submitter. Criteria: Invitae Variant Classification Sherloc (09022015). Collection method: clinical testing. Allele origin: germline.
Comment: This sequence change replaces aspartic acid, which is acidic and polar, with glycine, which is neutral and non-polar, at codon 231 of the KIF1A protein (p.Asp231Gly). This variant is present in population databases (rs773459672, gnomAD 0.003%). This variant has not been reported in the literature in individuals affected with KIF1A-related conditions. ClinVar contains an entry for this variant (Variation ID: 1460823). Invitae Evidence Modeling of protein sequence and biophysical properties (such as structural, functional, and spatial information, amino acid conservation, physicochemical variation, residue mobility, and thermodynamic stability) indicates that this missense variant is expected to disrupt KIF1A protein function with a positive predictive value of 95%. In summary, the available evidence is currently insufficient to determine the role of this variant in disease. Therefore, it has been classified as a Variant of Uncertain Significance.